The following is an entry in ClinVar:

NM_000051.4(ATM):c.3032C>T (p.Thr1011Ile)

Gene: ATM (ATM serine/threonine kinase; plus strand). Cytogenetic location: 11q22.3.
Variant type: single nucleotide variant.
Coding change: c.3032C>T on transcript NM_000051.4 (MANE Select); coding-DNA position 3032, C replaced by T.
Protein change: p.Thr1011Ile; replaces threonine 1011 with isoleucine.
Molecular consequence: missense variant.
Genome position (GRCh38, 1-based): chr11:108,271,361, C>T. VCF-style: chr11-108271361-C-T. GRCh37 (hg19) VCF-style: chr11-108142088-C-T.
Other names: c.3032C>T, p.Thr1011Ile (NM_001351834.2); short protein forms T1011I.
Identifiers: ClinVar variation 482676 (VCV000482676.5), dbSNP rs1387785337, ClinGen allele CA382547539.
Genomic context (GRCh38, chr11:108,271,361, plus strand): 5'-TAAACCATGTCCTTCATGTAGTGAAAAACCTAGGTCAAAGCAATATGGACTCTGAGAACA[C>T]AAGGGATGCTCAAGGACAGTTTCTTACAGTAATTGGAGCATTTTGGTAGGTACAGTCTAT-3'
Protein context (NP_000042.3, residues 1001-1021): LGQSNMDSEN[Thr1011Ile]RDAQGQFLTV

ClinVar aggregate classification (germline): Uncertain significance (1 of 4 stars; one submission).

Conditions:
Hereditary cancer-predisposing syndrome. Also called: Neoplastic Syndromes, Hereditary; Tumor predisposition; Hereditary Cancer Syndrome; Hereditary neoplastic syndrome. Identifiers: Orphanet 140162, MedGen C0027672, MeSH D009386, MONDO:0015356.

Submission:

Ambry Genetics
Classification: Uncertain significance for Hereditary cancer-predisposing syndrome. Last evaluated: 2021-10-22. Review status: criteria provided, single submitter. Criteria: Ambry Variant Classification Scheme 2023. Collection method: clinical testing. Allele origin: germline.
Comment: The p.T1011I variant (also known as c.3032C>T), located in coding exon 19 of the ATM gene, results from a C to T substitution at nucleotide position 3032. The threonine at codon 1011 is replaced by isoleucine, an amino acid with similar properties. This amino acid position is not well conserved in available vertebrate species. In addition, this alteration is predicted to be tolerated by in silico analysis. Since supporting evidence is limited at this time, the clinical significance of this alteration remains unclear.